The following is an entry in ClinVar:

ClinVar aggregate classification (germline): Uncertain significance (1 of 4 stars; one submission).

Conditions:
Inclusion body myopathy with early-onset Paget disease with or without frontotemporal dementia 2 (IBMPFD2). Also called: MULTISYSTEM PROTEINOPATHY 2. Identifiers: MedGen C3809468, MONDO:0014178, OMIM 615422.

Submission:

Labcorp Genetics (formerly Invitae), Labcorp
Classification: Uncertain significance for Inclusion body myopathy with early-onset Paget disease with or without frontotemporal dementia 2. Last evaluated: 2025-06-12. Review status: criteria provided, single submitter. Criteria: Invitae Variant Classification Sherloc (09022015). Collection method: clinical testing. Allele origin: germline.
Comment: This sequence change replaces serine, which is neutral and polar, with alanine, which is neutral and non-polar, at codon 70 of the HNRNPA2B1 protein (p.Ser70Ala). This variant is not present in population databases (gnomAD no frequency). This variant has not been reported in the literature in individuals affected with HNRNPA2B1-related conditions. ClinVar contains an entry for this variant (Variation ID: 3641763). Invitae Evidence Modeling of protein sequence and biophysical properties (such as structural, functional, and spatial information, amino acid conservation, physicochemical variation, residue mobility, and thermodynamic stability) indicates that this missense variant is not expected to disrupt HNRNPA2B1 protein function with a negative predictive value of 80%. In summary, the available evidence is currently insufficient to determine the role of this variant in disease. Therefore, it has been classified as a Variant of Uncertain Significance.

NM_002137.4(HNRNPA2B1):c.172T>G (p.Ser58Ala)

Gene: HNRNPA2B1 (heterogeneous nuclear ribonucleoprotein A2/B1; minus strand). Cytogenetic location: 7p15.2.
Variant type: single nucleotide variant.
Coding change: c.172T>G on transcript NM_002137.4 (MANE Select); coding-DNA position 172, T replaced by G.
Protein change: p.Ser58Ala; replaces serine 58 with alanine.
Molecular consequence: missense variant.
Genome position (GRCh38, 1-based): chr7:26,197,407, A>C on the plus strand (T>G on the coding strand, the complement: HNRNPA2B1 is on the minus strand). VCF-style: chr7-26197407-A-C. GRCh37 (hg19) VCF-style: chr7-26237027-A-C.
Other names: c.208T>G, p.Ser70Ala (NM_031243.4); short protein forms S58A, S70A.
Identifiers: ClinVar variation 3641763 (VCV003641763.2).